The following is an entry in ClinVar:

ClinVar aggregate classification (germline): Uncertain significance (0 of 4 stars; one submission).

Conditions:
SCAPER-related disorder. Also called: SCAPER-related condition.

gnomAD v4.1: 5 of 1,613,726 alleles (0.00031%); highest among the groups gnomAD compares: South Asian, 0.0022%; no homozygotes.

Submission:

PreventionGenetics, part of Exact Sciences
Classification: Uncertain significance for SCAPER-related condition. Last evaluated: 2024-09-25. Review status: no assertion criteria provided. Collection method: clinical testing. Allele origin: germline.
Comment: The SCAPER c.967A>C variant is predicted to result in the amino acid substitution p.Asn323His. To our knowledge, this variant has not been reported in the literature. This variant is reported in 0.0033% of alleles in individuals of South Asian descent in gnomAD. At this time, the clinical significance of this variant is uncertain due to the absence of conclusive functional and genetic evidence.

NM_020843.4(SCAPER):c.967A>C (p.Asn323His)

Gene: SCAPER (S-phase cyclin A associated protein in the ER; minus strand). Cytogenetic location: 15q24.3.
Variant type: single nucleotide variant.
Coding change: c.967A>C on transcript NM_020843.4 (MANE Select); coding-DNA position 967, A replaced by C.
Protein change: p.Asn323His; replaces asparagine 323 with histidine.
Molecular consequence: missense variant. On other transcripts: non-coding transcript variant (1).
Genome position (GRCh38, 1-based): chr15:76,774,923, T>G on the plus strand (A>C on the coding strand, the complement: SCAPER is on the minus strand). VCF-style: chr15-76774923-T-G. GRCh37 (hg19) VCF-style: chr15-77067264-T-G.
Other names: c.229A>C, p.Asn77His (NM_001145923.2); c.967A>C, p.Asn323His (NM_001353009.2); c.565A>C, p.Asn189His (NM_001353010.2, NM_001353011.2, NM_001353012.2); short protein forms N189H, N323H, N77H.
Identifiers: ClinVar variation 3346581 (VCV003346581.1).